The following is an entry in ClinVar:

ClinVar aggregate classification (germline): Uncertain significance (1 of 4 stars; one submission).

Submission:

Ambry Genetics
Classification: Uncertain significance. Last evaluated: 2024-12-14. Review status: criteria provided, single submitter. Criteria: Ambry Variant Classification Scheme 2023. Collection method: clinical testing. Allele origin: germline.
Comment: The p.P2099L variant (also known as c.6296C>T), located in coding exon 27 of the WNK2 gene, results from a C to T substitution at nucleotide position 6296. The proline at codon 2099 is replaced by leucine, an amino acid with similar properties. This amino acid position is conserved. In addition, this alteration is predicted to be tolerated by in silico analysis. Based on the available evidence, the clinical significance of this variant remains unclear.

NM_006648.4(WNK2):c.6296C>T (p.Pro2099Leu)

Gene: WNK2 (WNK lysine deficient protein kinase 2; plus strand). Cytogenetic location: 9q22.31.
Variant type: single nucleotide variant.
Coding change: c.6296C>T on transcript NM_006648.4 (MANE Select); coding-DNA position 6296, C replaced by T.
Protein change: p.Pro2099Leu; replaces proline 2099 with leucine.
Molecular consequence: missense variant.
Genome position (GRCh38, 1-based): chr9:93,308,364, C>T. VCF-style: chr9-93308364-C-T. GRCh37 (hg19) VCF-style: chr9-96070646-C-T.
Other names: c.6407C>T, p.Pro2136Leu (NM_001282394.3); short protein forms P2136L, P2099L.
Identifiers: ClinVar variation 3816476 (VCV003816476.1).
Genomic context (GRCh38, chr9:93,308,364, plus strand): 5'-CCTGGCCTGTGTGTGACTCCCCAGGGTCCTCCACCAGCAGCCTGGCCCCAGGCCCTGAGC[C>T]AGGCCCCCAGCCCGCCCTGCACGTCCAGGCGCAGGTGAACAACAGCAACAACAAGAAGGG-3'
Protein context (NP_006639.3, residues 2089-2109): STSSLAPGPE[Pro2099Leu]GPQPALHVQA